The following is an entry in ClinVar:

ClinVar aggregate classification (germline): Pathogenic (1 of 4 stars; one submission).

Conditions:
Cerebral cavernous malformation (CCM). Also called: CAVERNOUS ANGIOMA, FAMILIAL; CAVERNOUS ANGIOMATOUS MALFORMATIONS; CEREBRAL CAPILLARY MALFORMATIONS; Cerebral cavernous malformations; Cavernous Hemangioma of Brain; Cerebral cavernous hemangioma (type). Identifiers: Orphanet 221061, MedGen C2919945, MONDO:0000820, OMIM 116860, HP:0033522.

Submission:

Labcorp Genetics (formerly Invitae), Labcorp
Classification: Pathogenic for Cerebral cavernous malformation. Last evaluated: 2024-08-14. Review status: criteria provided, single submitter. Criteria: Invitae Variant Classification Sherloc (09022015). Collection method: clinical testing. Allele origin: germline.
Comment: This sequence change affects an acceptor splice site in intron 19 of the KRIT1 gene. While this variant is not anticipated to result in nonsense mediated decay, it likely alters RNA splicing and results in a disrupted protein product. This variant is not present in population databases (gnomAD no frequency). Disruption of this splice site has been observed in individual(s) with cerebral cavernous malformations (CCM) (Invitae). It has also been observed to segregate with disease in related individuals. ClinVar contains an entry for this variant (Variation ID: 468214). Variants that disrupt the consensus splice site are a relatively common cause of aberrant splicing (PMID: 17576681, 9536098). For these reasons, this variant has been classified as Pathogenic.

Literature cited by the submitters: PubMed 17576681; PubMed 9536098.

NM_194454.3(KRIT1):c.2143-1G>A

Gene: KRIT1 (KRIT1 ankyrin repeat containing; minus strand). Cytogenetic location: 7q21.2.
Variant type: single nucleotide variant.
Coding change: c.2143-1G>A on transcript NM_194454.3 (MANE Select); the canonical splice acceptor site of the intron before coding-DNA position 2143, G replaced by A.
Molecular consequence: splice acceptor variant.
Genome position (GRCh38, 1-based): chr7:92,200,805, C>T on the plus strand (G>A on the coding strand, the complement: KRIT1 is on the minus strand). VCF-style: chr7-92200805-C-T. GRCh37 (hg19) VCF-style: chr7-91830119-C-T.
Other names: c.2143-1G>A (NM_001350672.1, NM_001350676.1, NM_001350673.1 and 26 more transcripts); c.1999-1G>A (NM_001350669.1, NM_001013406.2, NM_001350670.1); c.1429-1G>A (NM_001350671.1).
Identifiers: ClinVar variation 468214 (VCV000468214.11), dbSNP rs1554489785, ClinGen allele CA368166250.